The following is an entry in ClinVar:

ClinVar aggregate classification (germline): Uncertain significance. Review status: criteria provided, multiple submitters, no conflicts (2 of 4 stars). 2 submissions from 2 submitters: Uncertain significance (2). Last evaluated 2025-12-29.

Conditions:
Gastrointestinal stromal tumor. Also called: Gastrointestinal stromal tumor, somatic; Gastrointestinal stroma tumor. Identifiers: Orphanet 44890, MedGen C0238198, MeSH D046152, MONDO:0011719, OMIM 606764, HP:0100723.
Hereditary cancer-predisposing syndrome. Also called: Neoplastic Syndromes, Hereditary; Tumor predisposition; Hereditary Cancer Syndrome; Hereditary neoplastic syndrome. Identifiers: Orphanet 140162, MedGen C0027672, MeSH D009386, MONDO:0015356.

Submissions (2):

Ambry Genetics
Classification: Uncertain significance for Hereditary cancer-predisposing syndrome. Last evaluated: 2025-12-29. Review status: criteria provided, single submitter. Criteria: Ambry Variant Classification Scheme 2023. Collection method: clinical testing. Allele origin: germline.
Comment: The p.V216A variant (also known as c.647T>C), located in coding exon 4 of the KIT gene, results from a T to C substitution at nucleotide position 647. The valine at codon 216 is replaced by alanine, an amino acid with similar properties. This amino acid position is not well conserved in available vertebrate species. In addition, this alteration is predicted to be tolerated by in silico analysis. Based on the available evidence, the clinical significance of this variant remains unclear.

Labcorp Genetics (formerly Invitae), Labcorp
Classification: Uncertain significance for Gastrointestinal stromal tumor. Last evaluated: 2023-12-30. Review status: criteria provided, single submitter. Criteria: Invitae Variant Classification Sherloc (09022015). Collection method: clinical testing. Allele origin: germline.
Comment: This sequence change replaces valine, which is neutral and non-polar, with alanine, which is neutral and non-polar, at codon 216 of the KIT protein (p.Val216Ala). This variant is not present in population databases (gnomAD no frequency). This variant has not been reported in the literature in individuals affected with KIT-related conditions. An algorithm developed to predict the effect of missense changes on protein structure and function (PolyPhen-2) suggests that this variant is likely to be tolerated. In summary, the available evidence is currently insufficient to determine the role of this variant in disease. Therefore, it has been classified as a Variant of Uncertain Significance.

NM_000222.3(KIT):c.647T>C (p.Val216Ala)

Gene: KIT (KIT proto-oncogene, receptor tyrosine kinase; plus strand). Cytogenetic location: 4q12.
Variant type: single nucleotide variant.
Coding change: c.647T>C on transcript NM_000222.3 (MANE Select); coding-DNA position 647, T replaced by C.
Protein change: p.Val216Ala; replaces valine 216 with alanine.
Molecular consequence: missense variant.
Genome position (GRCh38, 1-based): chr4:54,699,657, T>C. VCF-style: chr4-54699657-T-C. GRCh37 (hg19) VCF-style: chr4-55565823-T-C.
Other names: c.647T>C, p.Val216Ala (NM_001093772.2, NM_001385284.1, NM_001385285.1 and 4 more transcripts); short protein forms V216A.
Identifiers: ClinVar variation 2751473 (VCV002751473.4), dbSNP rs2475456701, ClinGen allele CA356898198.